The following is an entry in ClinVar:

ClinVar aggregate classification (germline): Uncertain significance. Review status: criteria provided, multiple submitters, no conflicts (2 of 4 stars). 2 submissions from 2 submitters: Uncertain significance (2). Last evaluated 2025-06-25.

Conditions:
Aicardi-Goutieres syndrome 6 (AGS6). Identifiers: Orphanet 51, MedGen C3539013, MONDO:0014007, OMIM 615010.
Symmetrical dyschromatosis of extremities (DSH). Also called: SYMMETRIC DYSCHROMATOSIS OF THE EXTREMITIES; Dyschromatosis symmetrica hereditaria; DYSCHROMATOSIS SYMMETRICA HEREDITARIA 1; RETICULATE ACROPIGMENTATION OF DOHI. Identifiers: Orphanet 41, MedGen C0406775, MONDO:0007483, OMIM 127400.

Allele frequency attached by ClinVar (database versions not stated): gnomAD exomes below 0.00001; TOPMed 0.00001.

Submissions (2):

Labcorp Genetics (formerly Invitae), Labcorp
Classification: Uncertain significance for Aicardi-Goutieres syndrome 6; Symmetrical dyschromatosis of extremities. Last evaluated: 2025-06-25. Review status: criteria provided, single submitter. Criteria: Invitae Variant Classification Sherloc (09022015). Collection method: clinical testing. Allele origin: germline.
Comment: This sequence change replaces arginine, which is basic and polar, with glutamine, which is neutral and polar, at codon 1155 of the ADAR protein (p.Arg1155Gln). This variant is not present in population databases (gnomAD no frequency). This variant has not been reported in the literature in individuals affected with ADAR-related conditions. ClinVar contains an entry for this variant (Variation ID: 1041359). Invitae Evidence Modeling of protein sequence and biophysical properties (such as structural, functional, and spatial information, amino acid conservation, physicochemical variation, residue mobility, and thermodynamic stability) has been performed for this missense variant. However, the output from this modeling did not meet the statistical confidence thresholds required to predict the impact of this variant on ADAR protein function. This variant disrupts the p.Arg1155 amino acid residue in ADAR. Other variant(s) that disrupt this residue have been determined to be pathogenic (PMID: 15659327, 22336994). This suggests that this residue is clinically significant, and that variants that disrupt this residue are likely to be disease-causing. In summary, the available evidence is currently insufficient to determine the role of this variant in disease. Therefore, it has been classified as a Variant of Uncertain Significance.

Blueprint Genetics
Classification: Uncertain significance. Last evaluated: 2022-04-04. Review status: criteria provided, single submitter. Criteria: ACMG Guidelines, 2015. Collection method: clinical testing. Allele origin: germline.

Literature cited by the submitters: PubMed 15659327 (cited by Labcorp Genetics (formerly Invitae), Labcorp); PubMed 22336994 (cited by Labcorp Genetics (formerly Invitae), Labcorp).

NM_001111.5(ADAR):c.3464G>A (p.Arg1155Gln)

Gene: ADAR (adenosine deaminase RNA specific; minus strand). Cytogenetic location: 1q21.3.
Variant type: single nucleotide variant.
Coding change: c.3464G>A on transcript NM_001111.5 (MANE Select); coding-DNA position 3464, G replaced by A.
Protein change: p.Arg1155Gln; replaces arginine 1155 with glutamine.
Molecular consequence: missense variant.
Genome position (GRCh38, 1-based): chr1:154,585,023, C>T on the plus strand (G>A on the coding strand, the complement: ADAR is on the minus strand). VCF-style: chr1-154585023-C-T. GRCh37 (hg19) VCF-style: chr1-154557499-C-T.
Other names: c.2579G>A, p.Arg860Gln (NM_001025107.3, NM_001193495.2, NM_001365046.1 and 2 more transcripts); c.3491G>A, p.Arg1164Gln (NM_001365045.1); c.2501G>A, p.Arg834Gln (NM_001365049.1); c.3386G>A, p.Arg1129Gln (NM_015840.4); c.3329G>A, p.Arg1110Gln (NM_015841.4); short protein forms R1110Q, R1129Q, R834Q, R1155Q, R1164Q, R860Q.
Identifiers: ClinVar variation 1041359 (VCV001041359.10), dbSNP rs1304875258, ClinGen allele CA342634902.